The following is an entry in ClinVar:

NM_000077.5(CDKN2A):c.428C>G (p.Ala143Gly)

Gene: CDKN2A (cyclin dependent kinase inhibitor 2A; minus strand). Cytogenetic location: 9p21.3.
Variant type: single nucleotide variant.
Coding change: c.428C>G on transcript NM_000077.5; coding-DNA position 428, C replaced by G.
Protein change: p.Ala143Gly; replaces alanine 143 with glycine.
Molecular consequence: missense variant (on NM_000077.6). On other transcripts: 3 prime UTR variant (2).
Genome position (GRCh38, 1-based): chr9:21,970,931, G>C on the plus strand (C>G on the coding strand, the complement: CDKN2A is on the minus strand). VCF-style: chr9-21970931-G-C. GRCh37 (hg19) VCF-style: chr9-21970930-G-C.
Other names: c.428C>G, p.Ala143Gly (NM_000077.6, NM_001195132.2); c.275C>G, p.Ala92Gly (NM_001363763.2); c.*72C>G (NM_058195.4); c.*351C>G (NM_058197.5); short protein forms A143G, A92G.
Identifiers: ClinVar variation 630386 (VCV000630386.18), dbSNP rs767149947, ClinGen allele CA5012157.
Genomic context (GRCh38, chr9:21,970,931, plus strand): 5'-GGGTACAAATTCTCAGATCATCAGTCCTCACCTGAGGGACCTTCCGCGGCATCTATGCGG[G>C]CATGGTTACTGCCTCTGGTGCCCCCCGCAGCCGCGCGCAGGTACCGTGCGACATCGCGAT-3'
Protein context (NP_000068.1, residues 133-153): AAGGTRGSNH[Ala143Gly]RIDAAEGPSD

ClinVar aggregate classification (germline): Uncertain significance. Review status: criteria provided, multiple submitters, no conflicts (2 of 4 stars). 4 submissions from 4 submitters: Uncertain significance (4). Last evaluated 2025-04-30.

Conditions:
Familial melanoma. Also called: Hereditary melanoma; Hereditary cutaneous melanoma. Identifiers: Orphanet 618, MedGen C1512419, MONDO:0018961.
Hereditary cancer-predisposing syndrome. Also called: Tumor predisposition; Neoplastic Syndromes, Hereditary; Hereditary Cancer Syndrome; Hereditary neoplastic syndrome. Identifiers: Orphanet 140162, MedGen C0027672, MeSH D009386, MONDO:0015356.
Melanoma and neural system tumor syndrome. Also called: MELANOMA-ASTROCYTOMA SYNDROME. Identifiers: Orphanet 252206, MedGen C1835042, MONDO:0007967, OMIM 155755.

Allele frequency attached by ClinVar (database versions not stated): gnomAD exomes below 0.00001 and 0.00001; ExAC 0.00001.
gnomAD v4.1: 5 of 1,612,392 alleles (0.00031%); highest among the groups gnomAD compares: East Asian, 0.011%; no homozygotes.

Submissions (4):

Ambry Genetics
Classification: Uncertain significance for Hereditary cancer-predisposing syndrome. Last evaluated: 2025-04-30. Review status: criteria provided, single submitter. Criteria: Ambry Variant Classification Scheme 2023. Collection method: clinical testing. Allele origin: germline.
Comment: The p.A143G variant (also known as c.428C>G), located in coding exon 2 of the CDKN2A gene, results from a C to G substitution at nucleotide position 428. The alanine at codon 143 is replaced by glycine, an amino acid with similar properties. This amino acid position is not well conserved in available vertebrate species. In addition, this alteration is predicted to be tolerated by in silico analysis. Since supporting evidence is limited at this time, the clinical significance of this alteration remains unclear.

Labcorp Genetics (formerly Invitae), Labcorp
Classification: Uncertain significance for Familial melanoma. Last evaluated: 2025-03-15. Review status: criteria provided, single submitter. Criteria: Invitae Variant Classification Sherloc (09022015). Collection method: clinical testing. Allele origin: germline.
Comment: This sequence change replaces alanine, which is neutral and non-polar, with glycine, which is neutral and non-polar, at codon 143 of the CDKN2A (p16INK4a) protein (p.Ala143Gly). This variant is present in population databases (rs767149947, gnomAD 0.006%). This variant has not been reported in the literature in individuals affected with CDKN2A (p16INK4a)-related conditions. ClinVar contains an entry for this variant (Variation ID: 630386). An algorithm developed to predict the effect of missense changes on protein structure and function (PolyPhen-2) suggests that this variant is likely to be tolerated. In summary, the available evidence is currently insufficient to determine the role of this variant in disease. Therefore, it has been classified as a Variant of Uncertain Significance.

Baylor Genetics
Classification: Uncertain significance for Melanoma and neural system tumor syndrome. Last evaluated: 2023-06-16. Review status: criteria provided, single submitter. Criteria: ACMG Guidelines, 2015. Collection method: clinical testing. Allele origin: unknown.

Color Diagnostics, LLC DBA Color Health
Classification: Uncertain significance for Hereditary cancer-predisposing syndrome. Last evaluated: 2022-11-21. Review status: criteria provided, single submitter. Criteria: ACMG Guidelines, 2015. Collection method: clinical testing. Allele origin: germline.
Comment: The CDKN2A locus encodes two different gene products, p16INK4a and p14ARF. This variant replaces alanine with glycine at codon 143 of the CDKN2A (p16INK4A) protein. Computational prediction tool suggests that this variant may not impact protein structure and function (internally defined REVEL score threshold <= 0.5, PMID: 27666373). To our knowledge, functional studies have not been performed for this variant. This variant has not been reported in individuals affected with hereditary cancer in the literature. This variant has been identified in 1/246884 chromosomes in the general population by the Genome Aggregation Database (gnomAD). The available evidence is insufficient to determine the role of this variant in disease conclusively. Therefore, this variant is classified as a Variant of Uncertain Significance.